The following is an entry in ClinVar:

NM_133259.4(LRPPRC):c.551del (p.Phe184fs)

Gene: LRPPRC (leucine rich pentatricopeptide repeat containing; minus strand). Cytogenetic location: 2p21.
Variant type: Deletion.
Coding change: c.551del on transcript NM_133259.4 (MANE Select); coding-DNA position 551, one base deleted (T; older notation c.551delT).
Protein change: p.Phe184fs; shifts the reading frame from phenylalanine 184.
Molecular consequence: frameshift variant.
Genome position (GRCh38, 1-based): chr2:43,977,195, A deleted on the plus strand (T on the coding strand, the reverse complement: LRPPRC is on the minus strand); the first of 3 consecutive A bases (chr2:43,977,195-43,977,197); deleting any one gives the same sequence. VCF-style (leftmost placement, unchanged base first): chr2-43977194-GA-G. GRCh37 (hg19) VCF-style: chr2-44204333-GA-G.
Other names: short protein forms F184fs.
Identifiers: ClinVar variation 1451370 (VCV001451370.6), dbSNP rs2103725910, ClinGen allele CA2573134651.

ClinVar aggregate classification (germline): Pathogenic (1 of 4 stars; one submission).

Submission:

Labcorp Genetics (formerly Invitae), Labcorp
Classification: Pathogenic. Last evaluated: 2022-09-06. Review status: criteria provided, single submitter. Criteria: Invitae Variant Classification Sherloc (09022015). Collection method: clinical testing. Allele origin: germline.
Comment: For these reasons, this variant has been classified as Pathogenic. ClinVar contains an entry for this variant (Variation ID: 1451370). This variant has not been reported in the literature in individuals affected with LRPPRC-related conditions. This variant is not present in population databases (gnomAD no frequency). This sequence change creates a premature translational stop signal (p.Phe184Serfs*15) in the LRPPRC gene. It is expected to result in an absent or disrupted protein product. Loss-of-function variants in LRPPRC are known to be pathogenic (PMID: 26510951).

Literature cited by the submitters: PubMed 26510951.